The following is an entry in ClinVar:

NM_001943.5(DSG2):c.2257del (p.Ala753fs)

Genes: DSG2-AS1 (DSG2 antisense RNA 1; minus strand), DSG2 (desmoglein 2; plus strand). Cytogenetic location: 18q12.1.
Variant type: Deletion.
Coding change: c.2257del on transcript NM_001943.5 (MANE Select); coding-DNA position 2257, one base deleted (G; older notation c.2257delG).
Protein change: p.Ala753fs; shifts the reading frame from alanine 753.
Molecular consequence: frameshift variant.
Genome position (GRCh38, 1-based): chr18:31,542,775, G deleted; the last of 4 consecutive G bases (chr18:31,542,772-31,542,775); deleting any one gives the same sequence. VCF-style (leftmost placement, unchanged base first): chr18-31542771-AG-A. GRCh37 (hg19) VCF-style: chr18-29122734-AG-A.
Other names: c.2257del (LRG_397t1); short protein forms A753fs.
Identifiers: ClinVar variation 582579 (VCV000582579.11), dbSNP rs1567933176, ClinGen allele CA891843559.
Genomic context (GRCh38, chr18:31,542,771, plus strand): 5'-GTTTACAGGGGCCACAGGCGCTATCATGACCACTGAAACCACGAAGACCGCAAGGGCCAC[AG>A]GGGCTTCCAGAGACATGGCCGGAGCTCAGGCAGCTGCTGTTGCACTGAACGAAGAATTCT-3'

ClinVar aggregate classification (germline): Conflicting classifications of pathogenicity. Review status: criteria provided, conflicting classifications (1 of 4 stars). 4 submissions from 4 submitters: Pathogenic (1); Likely pathogenic (2); Uncertain significance (1). Last evaluated 2025-11-13.

Conditions:
Arrhythmogenic right ventricular dysplasia 10. Also called: Arrhythmogenic right ventricular dysplasia/cardiomyopathy, type 10; Arrhythmogenic Right Ventricular Dysplasia/Cardiomyopathy10; ARRHYTHMOGENIC RIGHT VENTRICULAR DYSPLASIA, FAMILIAL, 10. Identifiers: MedGen C1857777, MONDO:0012434, OMIM 610193.
Cardiomyopathy (CMYO). Also called: Cardiomyopathies. Identifiers: Orphanet 167848, MedGen C0878544, MONDO:0004994, HP:0001638. Inheritance: Various modes of inheritance.
Dilated cardiomyopathy 1BB (CMD1BB). Also called: CARDIOMYOPATHY, DILATED, 1BB, SUSCEPTIBILITY TO. Identifiers: Orphanet 154, MedGen C2752072, MONDO:0013030, OMIM 612877.

Submissions (4):

Labcorp Genetics (formerly Invitae), Labcorp
Classification: Pathogenic for Arrhythmogenic right ventricular dysplasia 10. Last evaluated: 2025-11-13. Review status: criteria provided, single submitter. Criteria: Invitae Variant Classification Sherloc (09022015). Collection method: clinical testing. Allele origin: germline.
Comment: This sequence change creates a premature translational stop signal (p.Ala753Leufs*15) in the DSG2 gene. While this is not anticipated to result in nonsense mediated decay, it is expected to disrupt the last 366 amino acid(s) of the DSG2 protein. This variant is not present in population databases (gnomAD no frequency). This variant has not been reported in the literature in individuals affected with DSG2-related conditions. ClinVar contains an entry for this variant (Variation ID: 582579). This variant disrupts a region of the DSG2 protein in which other variant(s) (p.Glu1020Alafs*18) have been determined to be pathogenic (PMID: 20864495, 21397041, 23381804). This suggests that this is a clinically significant region of the protein, and that variants that disrupt it are likely to be disease-causing. For these reasons, this variant has been classified as Pathogenic.

Color Diagnostics, LLC DBA Color Health
Classification: Uncertain significance for Cardiomyopathy. Last evaluated: 2025-07-02. Review status: criteria provided, single submitter. Criteria: ACMG Guidelines, 2015. Collection method: clinical testing. Allele origin: germline.
Comment: This variant deletes 1 nucleotide in exon 14 of the DSG2 gene, creating a frameshift and premature translation stop signal in the last coding exon. This variant is predicted to escape nonsense-mediated decay and be expressed as a truncated protein. To our knowledge, this variant has not been reported in individuals affected with DSG2-related disorders in the literature. This variant has not been identified in the general population by the Genome Aggregation Database (gnomAD). The available evidence is insufficient to determine the role of this variant in disease conclusively. Therefore, this variant is classified as a Variant of Uncertain Significance.

Clinical Genomics Laboratory, Washington University in St. Louis
Classification: Likely pathogenic for Arrhythmogenic right ventricular dysplasia 10. Last evaluated: 2024-06-08. Review status: criteria provided, single submitter. Criteria: ACMG Guidelines, 2015. Collection method: clinical testing. Allele origin: germline. Affected: yes.
Comment: The DSG2 c.2257del (p.Ala753Leufs*15) variant, to our knowledge, has not been reported in the medical literature. This variant has been reported in the ClinVar database as a pathogenic variant by one submitter and as likely pathogenic by one submitter. This variant is absent from the general population (gnomAD v.2.1.1), indicating it is not a common variant. This variant causes a frameshift by deleting one nucleotide, leading to a premature termination codon, which is predicted to lead to nonsense mediated decay. Based on available information and the ACMG/AMP guidelines for variant interpretation (Richards S et al., PMID: 25741868), this variant is classified as likely pathogenic.

Fulgent Genetics
Classification: Likely pathogenic for Arrhythmogenic right ventricular dysplasia 10; Dilated cardiomyopathy 1BB. Last evaluated: 2021-09-18. Review status: criteria provided, single submitter. Criteria: ACMG Guidelines, 2015. Collection method: clinical testing. Allele origin: unknown.

Literature cited by the submitters: PubMed 20864495 (cited by Labcorp Genetics (formerly Invitae), Labcorp); PubMed 21397041 (cited by Labcorp Genetics (formerly Invitae), Labcorp); PubMed 23381804 (cited by Labcorp Genetics (formerly Invitae), Labcorp).